The following is an entry in ClinVar:

NM_001370259.2(MEN1):c.227C>A (p.Thr76Asn)

Gene: MEN1 (menin 1; minus strand). Cytogenetic location: 11q13.1.
Variant type: single nucleotide variant.
Coding change: c.227C>A on transcript NM_001370259.2 (MANE Select); coding-DNA position 227, C replaced by A.
Protein change: p.Thr76Asn; replaces threonine 76 with asparagine.
Molecular consequence: missense variant.
Genome position (GRCh38, 1-based): chr11:64,809,883, G>T on the plus strand (C>A on the coding strand, the complement: MEN1 is on the minus strand). VCF-style: chr11-64809883-G-T. GRCh37 (hg19) VCF-style: chr11-64577355-G-T.
Other names: c.227C>A, p.Thr76Asn (NM_000244.4, NM_001370251.2, NM_001370260.2 and 9 more transcripts); short protein forms T76N.
Identifiers: ClinVar variation 265710 (VCV000265710.9), dbSNP rs886039752, ClinGen allele CA10588536.

ClinVar aggregate classification (germline): Uncertain significance. Review status: criteria provided, multiple submitters, no conflicts (2 of 4 stars). 2 submissions from 2 submitters: Uncertain significance (2). Last evaluated 2025-10-11.

Conditions:
Multiple endocrine neoplasia, type 1 (MEN1). Also called: MEN I; WERMER SYNDROME; Endocrine adenomatosis multiple; MEN 1; MEA I. Identifiers: Orphanet 652, MedGen C0025267, MeSH D018761, MONDO:0007540, OMIM 131100.

Submissions (2):

Labcorp Genetics (formerly Invitae), Labcorp
Classification: Uncertain significance for Multiple endocrine neoplasia, type 1. Last evaluated: 2025-10-11. Review status: criteria provided, single submitter. Criteria: Invitae Variant Classification Sherloc (09022015). Collection method: clinical testing. Allele origin: germline.
Comment: This sequence change replaces threonine, which is neutral and polar, with asparagine, which is neutral and polar, at codon 76 of the MEN1 protein (p.Thr76Asn). This variant is not present in population databases (gnomAD no frequency). This variant has not been reported in the literature in individuals affected with MEN1-related conditions. ClinVar contains an entry for this variant (Variation ID: 265710). Invitae Evidence Modeling of protein sequence and biophysical properties (such as structural, functional, and spatial information, amino acid conservation, physicochemical variation, residue mobility, and thermodynamic stability) indicates that this missense variant is not expected to disrupt MEN1 protein function with a negative predictive value of 80%. In summary, the available evidence is currently insufficient to determine the role of this variant in disease. Therefore, it has been classified as a Variant of Uncertain Significance.

GeneDx
Classification: Uncertain significance. Last evaluated: 2016-09-13. Review status: criteria provided, single submitter. Criteria: GeneDx Variant Classification (06012015). Collection method: clinical testing. Allele origin: germline. Affected: yes.
Comment: The T76N variant in the MEN1 gene has not been published as a pathogenic variant, nor has it been reported as a benign variant to our knowledge. This variant was not observed in approximately 6,400 individuals of European and African American ancestry in the NHLBI Exome Sequencing Project, indicating it is not a common benign variant in these populations. The T76N variant is a conservative amino acid substitution, which is not likely to impact secondary protein structure as these residues share similar properties. This substitution occurs at a position where amino acids with similar properties to Threonine are tolerated across species, and in silico analysis is inconsistent in its predictions as to whether or not the variant is damaging to the protein structure/function. Based on currently available evidence, it is unclear whether this variant is a pathogenic variant or a rare benign variant. We consider it to be a variant of uncertain significance.